The following is an entry in ClinVar:

ClinVar aggregate classification (germline): Uncertain significance. Review status: criteria provided, multiple submitters, no conflicts (2 of 4 stars). 2 submissions from 2 submitters: Uncertain significance (2). Last evaluated 2025-10-07.

Conditions:
Inborn genetic diseases. Identifiers: MedGen C0950123, MeSH D030342.
Joubert syndrome 14 (JBTS14). Identifiers: MedGen C3280766, MONDO:0013745, OMIM 614424.

Allele frequency attached by ClinVar (database versions not stated): gnomAD exomes below 0.00001 and 0.00002; TOPMed below 0.00001; gnomAD 0.00001.
gnomAD v4.1: 37 of 1,590,192 alleles (0.0023%); highest among the groups gnomAD compares: Non-Finnish European, 0.0029%; no homozygotes.

Submissions (2):

Ambry Genetics
Classification: Uncertain significance for Inborn genetic diseases. Last evaluated: 2025-10-07. Review status: criteria provided, single submitter. Criteria: Ambry Variant Classification Scheme 2023. Collection method: clinical testing. Allele origin: germline.

Labcorp Genetics (formerly Invitae), Labcorp
Classification: Uncertain significance for Joubert syndrome 14. Last evaluated: 2022-02-03. Review status: criteria provided, single submitter. Criteria: Invitae Variant Classification Sherloc (09022015). Collection method: clinical testing. Allele origin: germline.
Comment: In summary, the available evidence is currently insufficient to determine the role of this variant in disease. Therefore, it has been classified as a Variant of Uncertain Significance. This variant has not been reported in the literature in individuals affected with TMEM237-related conditions. The frequency data for this variant in the population databases is considered unreliable, as metrics indicate poor data quality at this position in the gnomAD database. This sequence change replaces glutamic acid, which is acidic and polar, with aspartic acid, which is acidic and polar, at codon 77 of the TMEM237 protein (p.Glu77Asp). Algorithms developed to predict the effect of missense changes on protein structure and function output the following: SIFT: "Tolerated"; PolyPhen-2: "Benign"; Align-GVGD: "Class C0". The aspartic acid amino acid residue is found in multiple mammalian species, which suggests that this missense change does not adversely affect protein function.

NM_001044385.3(TMEM237):c.231G>T (p.Glu77Asp)

Gene: TMEM237 (transmembrane protein 237; minus strand). Cytogenetic location: 2q33.1.
Variant type: single nucleotide variant.
Coding change: c.231G>T on transcript NM_001044385.3 (MANE Select); coding-DNA position 231, G replaced by T.
Protein change: p.Glu77Asp; replaces glutamic acid 77 with aspartic acid.
Molecular consequence: missense variant.
Genome position (GRCh38, 1-based): chr2:201,636,791, C>A on the plus strand (G>T on the coding strand, the complement: TMEM237 is on the minus strand). VCF-style: chr2-201636791-C-A. GRCh37 (hg19) VCF-style: chr2-202501514-C-A.
Other names: c.207G>T, p.Glu69Asp (NM_152388.4); c.231G>T (NM_001044385.1); short protein forms E77D, E69D.
Identifiers: ClinVar variation 1354657 (VCV001354657.9), dbSNP rs779250127, ClinGen allele CA2056546.